The following is an entry in ClinVar:

ClinVar aggregate classification (germline): Uncertain significance. Review status: criteria provided, multiple submitters, no conflicts (2 of 4 stars). 2 submissions from 2 submitters: Uncertain significance (2). Last evaluated 2025-11-24.

Conditions:
Primary familial hypertrophic cardiomyopathy (HCM). Identifiers: Orphanet 99739, MedGen C0949658, MeSH D024741, MONDO:0024573. Inheritance: Various modes of inheritance.
Dilated cardiomyopathy 1AA (CMD1AA). Also called: CARDIOMYOPATHY, DILATED, 1AA, WITH OR WITHOUT LEFT VENTRICULAR NONCOMPACTION; CARDIOMYOPATHY, FAMILIAL HYPERTROPHIC, 23, WITH OR WITHOUT LEFT VENTRICULAR NONCOMPACTION; Cardiomyopathy, dilated, 1AA, with or without LVNC. Identifiers: Orphanet 154, MedGen C2677338, MONDO:0012808, OMIM 612158.
Cardiovascular phenotype. Identifiers: MedGen CN230736.

Allele frequency attached by ClinVar (database versions not stated): TOPMed below 0.00001; gnomAD exomes 0.00001.
gnomAD v4.1: 8 of 1,614,006 alleles (0.0005%); highest among the groups gnomAD compares: Non-Finnish European, 0.00068%; no homozygotes.

Submissions (2):

Ambry Genetics
Classification: Uncertain significance for Cardiovascular phenotype. Last evaluated: 2025-11-24. Review status: criteria provided, single submitter. Criteria: Ambry Variant Classification Scheme 2023. Collection method: clinical testing. Allele origin: germline.
Comment: The c.2527-3C>T intronic variant results from a C to T substitution 3 nucleotides upstream from coding exon 21 in the ACTN2 gene. This nucleotide position is well conserved in available vertebrate species. In silico splice site analysis predicts that this alteration will not have any significant effect on splicing. Since supporting evidence is limited at this time, the clinical significance of this alteration remains unclear.

Labcorp Genetics (formerly Invitae), Labcorp
Classification: Uncertain significance for Primary familial hypertrophic cardiomyopathy; Dilated cardiomyopathy 1AA. Last evaluated: 2018-08-30. Review status: criteria provided, single submitter. Criteria: Invitae Variant Classification Sherloc (09022015). Collection method: clinical testing. Allele origin: germline.
Comment: This sequence change falls in intron 20 of the ACTN2 gene. It does not directly change the encoded amino acid sequence of the ACTN2 protein, but it affects a nucleotide within the consensus splice site of the intron. This variant is not present in population databases (ExAC no frequency). This variant has not been reported in the literature in individuals with ACTN2-related disease. Nucleotide substitutions within the consensus splice site are a relatively common cause of aberrant splicing (PMID: 17576681, 9536098). Algorithms developed to predict the effect of sequence changes on RNA splicing suggest that this variant is not likely to affect RNA splicing, but this prediction has not been confirmed by published transcriptional studies. In summary, the available evidence is currently insufficient to determine the role of this variant in disease. Therefore, it has been classified as a Variant of Uncertain Significance.

Literature cited by the submitters: PubMed 17576681 (cited by Labcorp Genetics (formerly Invitae), Labcorp); PubMed 9536098 (cited by Labcorp Genetics (formerly Invitae), Labcorp).

NM_001103.4(ACTN2):c.2527-3C>T

Gene: ACTN2 (actinin alpha 2; plus strand). Cytogenetic location: 1q43.
Variant type: single nucleotide variant.
Coding change: c.2527-3C>T on transcript NM_001103.4 (MANE Select); 3 bases into the intron before coding-DNA position 2527, C replaced by T.
Molecular consequence: intron variant.
Genome position (GRCh38, 1-based): chr1:236,762,458, C>T. VCF-style: chr1-236762458-C-T. GRCh37 (hg19) VCF-style: chr1-236925758-C-T.
Other names: c.1903-3C>T (NM_001278344.2); c.2527-3C>T (NM_001278343.2).
Identifiers: ClinVar variation 1792599 (VCV001792599.5), dbSNP rs111796062, ClinGen allele CA733216270.